The following is an entry in ClinVar:

NM_000271.5(NPC1):c.1870G>A (p.Val624Ile)

Gene: NPC1 (NPC intracellular cholesterol transporter 1; minus strand). Cytogenetic location: 18q11.2.
Variant type: single nucleotide variant.
Coding change: c.1870G>A on transcript NM_000271.5 (MANE Select); coding-DNA position 1870, G replaced by A.
Protein change: p.Val624Ile; replaces valine 624 with isoleucine.
Molecular consequence: missense variant.
Genome position (GRCh38, 1-based): chr18:23,545,037, C>T on the plus strand (G>A on the coding strand, the complement: NPC1 is on the minus strand). VCF-style: chr18-23545037-C-T. GRCh37 (hg19) VCF-style: chr18-21125001-C-T.
Other names: c.1870G>A (NM_000271.4); short protein forms V624I.
Identifiers: ClinVar variation 596531 (VCV000596531.15), dbSNP rs76615690, ClinGen allele CA8913354.

ClinVar aggregate classification (germline): Conflicting classifications of pathogenicity. Review status: criteria provided, conflicting classifications (1 of 4 stars). 4 submissions from 4 submitters: Uncertain significance (2); Likely benign (1). 1 of the submissions does not count toward it. Last evaluated 2026-01-28.

Conditions:
NPC1-related disorder. Also called: NPC1-related condition.
Niemann-Pick disease, type C1. Also called: NEUROVISCERAL STORAGE DISEASE WITH VERTICAL SUPRANUCLEAR OPHTHALMOPLEGIA; NIEMANN-PICK DISEASE WITH CHOLESTEROL ESTERIFICATION BLOCK; NIEMANN-PICK DISEASE WITHOUT SPHINGOMYELINASE DEFICIENCY; NIEMANN-PICK DISEASE, CHRONIC NEURONOPATHIC FORM; NIEMANN-PICK DISEASE, VARIANT TYPE C1. Identifiers: Orphanet 646, MedGen C3179455, MONDO:0009757, OMIM 257220.

Allele frequency attached by ClinVar (database versions not stated): gnomAD 0.00001 and 0.00005; TOPMed 0.00006; gnomAD exomes 0.00007 and 0.00013; ExAC 0.00013; 1000 Genomes Project 30x 0.00031; 1000 Genomes Project 0.00040.
gnomAD v4.1: 106 of 1,596,294 alleles (0.0066%); highest among the groups gnomAD compares: East Asian, 0.09%; no homozygotes.

Submissions (4):

Labcorp Genetics (formerly Invitae), Labcorp
Classification: Likely benign for Niemann-Pick disease, type C1. Last evaluated: 2026-01-28. Review status: criteria provided, single submitter. Criteria: Invitae Variant Classification Sherloc (09022015). Collection method: clinical testing. Allele origin: germline.

Women's Health and Genetics/Laboratory Corporation of America, LabCorp
Classification: Uncertain significance. Last evaluated: 2023-04-28. Review status: criteria provided, single submitter. Criteria: LabCorp Variant Classification Summary - May 2015. Collection method: clinical testing. Allele origin: germline.
Comment: Variant summary: NPC1 c.1870G>A (p.Val624Ile) results in a conservative amino acid change located in the Sterol-sensing domain (IPR000731) of the encoded protein sequence. Five of five in-silico tools predict a benign effect of the variant on protein function. The variant allele was found at a frequency of 0.00013 in 251446 control chromosomes (gnomAD). This frequency is not significantly higher than estimated for a pathogenic variant in NPC1 causing Niemann-Pick Disease Type C (0.00013 vs 0.0027), allowing no conclusion about variant significance. c.1870G>A has been reported in the literature in individuals affected with Parkinson's disease without strong evidence of causality (Chen_2022). This report does not provide unequivocal conclusions about association of the variant with Niemann-Pick Disease Type C. To our knowledge, no experimental evidence demonstrating an impact on protein function has been reported. The following publication has been ascertained in the context of this evaluation (PMID: 35861376). Two submitters have provided clinical-significance assessments for this variant to ClinVar after 2014 without evidence for independent evaluation. One laboratory classified the variant as likely benign, and one classified it as uncertain significance. Based on the evidence outlined above, the variant was classified as uncertain significance.

Eurofins Ntd Llc (ga)
Classification: Uncertain significance. Last evaluated: 2018-03-15. Review status: criteria provided, single submitter. Criteria: EGL ClinVar v180209 classification definitions. Collection method: clinical testing. Allele origin: germline. Observed: 1 variant allele, 1 heterozygote.

PreventionGenetics, part of Exact Sciences
Classification: Uncertain significance for NPC1-related condition. Last evaluated: 2024-08-13. Review status: no assertion criteria provided. Collection method: clinical testing. Allele origin: germline. Not counted in ClinVar's aggregate classification.
Comment: The NPC1 c.1870G>A variant is predicted to result in the amino acid substitution p.Val624Ile. This variant was reported in two individuals with early onset Parkinson's disease, early onset (Supp. Table 12-4, Chen et al. 2022. PubMed ID: 35861376). This variant is reported in 0.075% of alleles in individuals of East Asian descent in gnomAD, which is likely too common to be a primary cause of disease. Although we suspect that this variant may be benign, at this time, the clinical significance of this variant is uncertain due to the absence of conclusive functional and genetic evidence.

Literature cited by the submitters: PubMed 35861376 (cited by Women's Health and Genetics/Laboratory Corporation of America, LabCorp).